The following is an entry in ClinVar:

NM_152703.5(SAMD9L):c.1691T>C (p.Phe564Ser)

Gene: SAMD9L (sterile alpha motif domain containing 9 like; minus strand). Cytogenetic location: 7q21.2.
Variant type: single nucleotide variant.
Coding change: c.1691T>C on transcript NM_152703.5 (MANE Select); coding-DNA position 1691, T replaced by C.
Protein change: p.Phe564Ser; replaces phenylalanine 564 with serine.
Molecular consequence: missense variant.
Genome position (GRCh38, 1-based): chr7:93,134,281, A>G on the plus strand (T>C on the coding strand, the complement: SAMD9L is on the minus strand). VCF-style: chr7-93134281-A-G. GRCh37 (hg19) VCF-style: chr7-92763594-A-G.
Other names: c.1691T>C, p.Phe564Ser (NM_001303496.3, NM_001303497.3, NM_001303498.3 and 5 more transcripts); short protein forms F564S.
Identifiers: ClinVar variation 3792472 (VCV003792472.2).

ClinVar aggregate classification (germline): Uncertain significance. Review status: criteria provided, multiple submitters, no conflicts (2 of 4 stars). 2 submissions from 2 submitters: Uncertain significance (2). Last evaluated 2025-03-01.

Conditions:
Inborn genetic diseases. Identifiers: MedGen C0950123, MeSH D030342.

gnomAD v4.1: 2 of 1,613,584 alleles (0.00012%); highest among the groups gnomAD compares: Admixed American, 0.0033%; no homozygotes.

Submissions (2):

Ambry Genetics
Classification: Uncertain significance for Inborn genetic diseases. Last evaluated: 2025-03-01. Review status: criteria provided, single submitter. Criteria: Ambry Variant Classification Scheme 2023. Collection method: clinical testing. Allele origin: germline.
Comment: The p.F564S variant (also known as c.1691T>C), located in coding exon 1 of the SAMD9L gene, results from a T to C substitution at nucleotide position 1691. The phenylalanine at codon 564 is replaced by serine, an amino acid with highly dissimilar properties. This amino acid position is conserved. In addition, the in silico prediction for this alteration is inconclusive. Based on the available evidence, the clinical significance of this variant remains unclear.

Labcorp Genetics (formerly Invitae), Labcorp
Classification: Uncertain significance. Last evaluated: 2025-02-10. Review status: criteria provided, single submitter. Criteria: Invitae Variant Classification Sherloc (09022015). Collection method: clinical testing. Allele origin: germline.
Comment: This sequence change replaces phenylalanine, which is neutral and non-polar, with serine, which is neutral and polar, at codon 564 of the SAMD9L protein (p.Phe564Ser). This variant is not present in population databases (gnomAD no frequency). This variant has not been reported in the literature in individuals affected with SAMD9L-related conditions. Invitae Evidence Modeling of protein sequence and biophysical properties (such as structural, functional, and spatial information, amino acid conservation, physicochemical variation, residue mobility, and thermodynamic stability) has been performed for this missense variant. However, the output from this modeling did not meet the statistical confidence thresholds required to predict the impact of this variant on SAMD9L protein function. In summary, the available evidence is currently insufficient to determine the role of this variant in disease. Therefore, it has been classified as a Variant of Uncertain Significance.